The following is an entry in ClinVar:

ClinVar aggregate classification (germline): Uncertain significance (0 of 4 stars; one submission).

Submission:

Department of Pathology and Laboratory Medicine, Sinai Health System
Classification: Uncertain significance. Review status: no assertion criteria provided. Collection method: clinical testing. Allele origin: unknown. Affected: yes. Study: The Canadian Open Genetics Repository (COGR).
Comment: The SLC30A2 p.Gly320Asp variant was not identified in the literature nor was it identified in dbSNP, ClinVar or in the following control databases: the 1000 Genomes Project, the NHLBI GO Exome Sequencing Project, the Exome Aggregation Consortium (August 8th 2016), or the Genome Aggregation Database (March 6, 2019, v2.1.1). The p.Gly320 residue is not conserved in mammals and four out of five computational analyses (PolyPhen-2, SIFT, AlignGVGD, BLOSUM, MutationTaster) do not suggest a high likelihood of impact to the protein; however, this information is not predictive enough to rule out pathogenicity. The variant occurs outside of the splicing consensus sequence and in silico or computational prediction software programs (SpliceSiteFinder, MaxEntScan, NNSPLICE, GeneSplicer) do not predict a difference in splicing. In summary, based on the above information the clinical significance of this variant cannot be determined with certainty at this time. This variant is classified as a variant of uncertain significance.

NM_001004434.3(SLC30A2):c.1106G>A (p.Gly369Asp)

Gene: SLC30A2 (solute carrier family 30 member 2; minus strand). Cytogenetic location: 1p36.11.
Variant type: single nucleotide variant.
Coding change: c.1106G>A on transcript NM_001004434.3 (MANE Select); coding-DNA position 1106, G replaced by A.
Protein change: p.Gly369Asp; replaces glycine 369 with aspartic acid.
Molecular consequence: missense variant.
Genome position (GRCh38, 1-based): chr1:26,039,173, C>T on the plus strand (G>A on the coding strand, the complement: SLC30A2 is on the minus strand). VCF-style: chr1-26039173-C-T. GRCh37 (hg19) VCF-style: chr1-26365664-C-T.
Other names: c.959G>A, p.Gly320Asp (NM_032513.5); short protein forms G320D, G369D.
Identifiers: ClinVar variation 1050154 (VCV001050154.1), dbSNP rs2124419907, ClinGen allele CA339095651.